The following is an entry in ClinVar:

NM_001127208.3(TET2):c.1175T>C (p.Phe392Ser)

Genes: TET2 (tet methylcytosine dioxygenase 2; plus strand), TET2-AS1 (TET2 antisense RNA 1; minus strand). Cytogenetic location: 4q24.
Variant type: single nucleotide variant.
Coding change: c.1175T>C on transcript NM_001127208.3 (MANE Select); coding-DNA position 1175, T replaced by C.
Protein change: p.Phe392Ser; replaces phenylalanine 392 with serine.
Molecular consequence: missense variant.
Genome position (GRCh38, 1-based): chr4:105,235,117, T>C. VCF-style: chr4-105235117-T-C. GRCh37 (hg19) VCF-style: chr4-106156274-T-C.
Other names: c.1175T>C, p.Phe392Ser (NM_017628.4); short protein forms F392S.
Identifiers: ClinVar variation 5030720 (VCV005030720.1).

ClinVar aggregate classification (germline): Uncertain significance (1 of 4 stars; one submission).

gnomAD v4.1: 2 of 1,613,816 alleles (0.00012%); highest among the groups gnomAD compares: Admixed American, 0.0033%; no homozygotes.

Submission:

Ambry Genetics
Classification: Uncertain significance. Last evaluated: 2026-07-22. Review status: criteria provided, single submitter. Criteria: Ambry Variant Classification Scheme 2023. Collection method: clinical testing. Allele origin: germline.
Comment: The p.F392S variant (also known as c.1175T>C), located in coding exon 1 of the TET2 gene, results from a T to C substitution at nucleotide position 1175. The phenylalanine at codon 392 is replaced by serine, an amino acid with highly dissimilar properties. This amino acid position is conserved. In addition, this alteration is predicted to be tolerated by in silico analysis. Based on the available evidence, the clinical significance of this variant remains unclear.